The following is an entry in ClinVar:

NM_004370.6(COL12A1):c.9122C>T (p.Pro3041Leu)

Gene: COL12A1 (collagen type XII alpha 1 chain; minus strand). Cytogenetic location: 6q13.
Variant type: single nucleotide variant.
Coding change: c.9122C>T on transcript NM_004370.6 (MANE Select); coding-DNA position 9122, C replaced by T.
Protein change: p.Pro3041Leu; replaces proline 3041 with leucine.
Molecular consequence: missense variant.
Genome position (GRCh38, 1-based): chr6:75,087,636, G>A on the plus strand (C>T on the coding strand, the complement: COL12A1 is on the minus strand). VCF-style: chr6-75087636-G-A. GRCh37 (hg19) VCF-style: chr6-75797352-G-A.
Other names: c.5630C>T, p.Pro1877Leu (NM_080645.3); c.9122C>T (NM_004370.5); short protein forms P1877L, P3041L.
Identifiers: ClinVar variation 1400449 (VCV001400449.10), dbSNP rs1767566470, ClinGen allele CA364732806.

ClinVar aggregate classification (germline): Uncertain significance. Review status: criteria provided, multiple submitters, no conflicts (2 of 4 stars). 2 submissions from 2 submitters: Uncertain significance (2). Last evaluated 2025-11-08.

Conditions:
Inborn genetic diseases. Identifiers: MedGen C0950123, MeSH D030342.
Bethlem myopathy 2 (BTHLM2). Identifiers: Orphanet 536516, Orphanet 610, MedGen C4225313, MONDO:0034022, OMIM 616471.
Ullrich congenital muscular dystrophy 2 (UCMD2). Identifiers: Orphanet 75840, MedGen C4225314, MONDO:0014654, OMIM 616470.

Allele frequency attached by ClinVar (database versions not stated): gnomAD exomes below 0.00001; TOPMed below 0.00001.
gnomAD v4.1: 1 of 1,613,418 alleles (0.000062%); highest among the groups gnomAD compares: Non-Finnish European, 0.000085%; no homozygotes.

Submissions (2):

Ambry Genetics
Classification: Uncertain significance for Inborn genetic diseases. Last evaluated: 2025-11-08. Review status: criteria provided, single submitter. Criteria: Ambry Variant Classification Scheme 2023. Collection method: clinical testing. Allele origin: germline.

Labcorp Genetics (formerly Invitae), Labcorp
Classification: Uncertain significance for Bethlem myopathy 2; Ullrich congenital muscular dystrophy 2. Last evaluated: 2025-03-12. Review status: criteria provided, single submitter. Criteria: Invitae Variant Classification Sherloc (09022015). Collection method: clinical testing. Allele origin: germline.
Comment: This sequence change replaces proline, which is neutral and non-polar, with leucine, which is neutral and non-polar, at codon 3041 of the COL12A1 protein (p.Pro3041Leu). This variant is not present in population databases (gnomAD no frequency). This variant has not been reported in the literature in individuals affected with COL12A1-related conditions. ClinVar contains an entry for this variant (Variation ID: 1400449). An algorithm developed to predict the effect of missense changes on protein structure and function (PolyPhen-2) suggests that this variant is likely to be disruptive. In summary, the available evidence is currently insufficient to determine the role of this variant in disease. Therefore, it has been classified as a Variant of Uncertain Significance.